The following is an entry in ClinVar:

NM_000083.3(CLCN1):c.2519T>G (p.Leu840Arg)

Gene: CLCN1 (chloride voltage-gated channel 1; plus strand). Cytogenetic location: 7q34.
Variant type: single nucleotide variant.
Coding change: c.2519T>G on transcript NM_000083.3 (MANE Select); coding-DNA position 2519, T replaced by G.
Protein change: p.Leu840Arg; replaces leucine 840 with arginine.
Molecular consequence: missense variant. On other transcripts: non-coding transcript variant (1).
Genome position (GRCh38, 1-based): chr7:143,350,578, T>G. VCF-style: chr7-143350578-T-G. GRCh37 (hg19) VCF-style: chr7-143047671-T-G.
Other names: c.2519T>G (NM_000083.2); short protein forms L840R.
Identifiers: ClinVar variation 2928906 (VCV002928906.5), dbSNP rs2485444757, ClinGen allele CA369653143.

ClinVar aggregate classification (germline): Uncertain significance. Review status: criteria provided, multiple submitters, no conflicts (2 of 4 stars). 2 submissions from 2 submitters: Uncertain significance (2). Last evaluated 2025-10-14.

Conditions:
Congenital myotonia, autosomal dominant form (THD). Also called: THOMSEN DISEASE; Myotonia congenita autosomal dominant. Identifiers: Orphanet 614, MedGen C2936781, MONDO:0008055, OMIM 160800.
Congenital myotonia, autosomal recessive form. Also called: BECKER DISEASE; Becker Generalized Myotonia; myotonia congenita, autosomal recessive. Identifiers: Orphanet 614, MedGen C0751360, MONDO:0009715, OMIM 255700.
Inborn genetic diseases. Identifiers: MedGen C0950123, MeSH D030342.

Submissions (2):

Ambry Genetics
Classification: Uncertain significance for Inborn genetic diseases. Last evaluated: 2025-10-14. Review status: criteria provided, single submitter. Criteria: Ambry Variant Classification Scheme 2023. Collection method: clinical testing. Allele origin: germline.
Comment: The c.2519T>G (p.L840R) alteration is located in exon 22 (coding exon 22) of the CLCN1 gene. This alteration results from a T to G substitution at nucleotide position 2519, causing the leucine (L) at amino acid position 840 to be replaced by an arginine (R). This variant was not reported in population-based cohorts in the Genome Aggregation Database (gnomAD). This amino acid position is highly conserved in available vertebrate species. This alteration is predicted to be deleterious by in silico analysis. Based on insufficient or conflicting evidence, the clinical significance of this alteration remains unclear.

Labcorp Genetics (formerly Invitae), Labcorp
Classification: Uncertain significance for Congenital myotonia, autosomal recessive form; Congenital myotonia, autosomal dominant form. Last evaluated: 2023-05-15. Review status: criteria provided, single submitter. Criteria: Invitae Variant Classification Sherloc (09022015). Collection method: clinical testing. Allele origin: germline.
Comment: In summary, the available evidence is currently insufficient to determine the role of this variant in disease. Therefore, it has been classified as a Variant of Uncertain Significance. Advanced modeling of protein sequence and biophysical properties (such as structural, functional, and spatial information, amino acid conservation, physicochemical variation, residue mobility, and thermodynamic stability) has been performed at Invitae for this missense variant, however the output from this modeling did not meet the statistical confidence thresholds required to predict the impact of this variant on CLCN1 protein function. This variant has not been reported in the literature in individuals affected with CLCN1-related conditions. This variant is not present in population databases (gnomAD no frequency). This sequence change replaces leucine, which is neutral and non-polar, with arginine, which is basic and polar, at codon 840 of the CLCN1 protein (p.Leu840Arg).